The following is an entry in ClinVar:

NM_016343.4(CENPF):c.626G>A (p.Arg209Gln)

Gene: CENPF (centromere protein F; plus strand). Cytogenetic location: 1q41.
Variant type: single nucleotide variant.
Coding change: c.626G>A on transcript NM_016343.4 (MANE Select); coding-DNA position 626, G replaced by A.
Protein change: p.Arg209Gln; replaces arginine 209 with glutamine.
Molecular consequence: missense variant.
Genome position (GRCh38, 1-based): chr1:214,620,707, G>A. VCF-style: chr1-214620707-G-A. GRCh37 (hg19) VCF-style: chr1-214794050-G-A.
Other names: short protein forms R209Q.
Identifiers: ClinVar variation 2503228 (VCV002503228.2), dbSNP rs747815581, ClinGen allele CA1389818.

ClinVar aggregate classification (germline): Uncertain significance. Review status: criteria provided, multiple submitters, no conflicts (2 of 4 stars). 2 submissions from 2 submitters: Uncertain significance (2). Last evaluated 2024-01-30.

Conditions:
Inborn genetic diseases. Identifiers: MedGen C0950123, MeSH D030342.

Allele frequency attached by ClinVar (database versions not stated): gnomAD 0.00001; gnomAD exomes 0.00002; ExAC 0.00004; TOPMed 0.00006.
gnomAD v4.1: 30 of 1,613,918 alleles (0.0019%); highest among the groups gnomAD compares: South Asian, 0.011%; 1 homozygote.

Submissions (2):

Ambry Genetics
Classification: Uncertain significance for Inborn genetic diseases. Last evaluated: 2024-01-30. Review status: criteria provided, single submitter. Criteria: Ambry Variant Classification Scheme 2023. Collection method: clinical testing. Allele origin: germline.

GeneDx
Classification: Uncertain significance. Last evaluated: 2022-11-28. Review status: criteria provided, single submitter. Criteria: GeneDx Variant Classification Process June 2021. Collection method: clinical testing. Allele origin: germline. Affected: yes.
Comment: Not observed at significant frequency in large population cohorts (gnomAD); In silico analysis supports that this missense variant does not alter protein structure/function; Has not been previously published as pathogenic or benign to our knowledge